The following is an entry in ClinVar:

ClinVar aggregate classification (germline): Benign/Likely benign. Review status: criteria provided, multiple submitters, no conflicts (2 of 4 stars). 3 submissions from 3 submitters: Benign (1); Likely benign (2). Last evaluated 2026-06-17.

Conditions:
Polyps, multiple and recurrent inflammatory fibroid, gastrointestinal. Identifiers: MedGen C5193005, MONDO:0008285, OMIM 175510.
Hereditary cancer-predisposing syndrome. Also called: Neoplastic Syndromes, Hereditary; Hereditary Cancer Syndrome; Hereditary neoplastic syndrome; Tumor predisposition. Identifiers: Orphanet 140162, MedGen C0027672, MeSH D009386, MONDO:0015356.
Gastrointestinal stromal tumor. Also called: Gastrointestinal stroma tumor; Gastrointestinal stromal tumor, somatic. Identifiers: Orphanet 44890, MedGen C0238198, MeSH D046152, MONDO:0011719, OMIM 606764, HP:0100723.

Allele frequency attached by ClinVar (database versions not stated): gnomAD exomes below 0.00001 and 0.00001; TOPMed below 0.00001; gnomAD 0.00001.
gnomAD v4.1: 20 of 1,613,884 alleles (0.0012%); highest among the groups gnomAD compares: Non-Finnish European, 0.0017%; no homozygotes.

Submissions (3):

Myriad Genetics, Inc.
Classification: Benign for Polyps, multiple and recurrent inflammatory fibroid, gastrointestinal. Last evaluated: 2026-06-17. Review status: criteria provided, single submitter. Criteria: Myriad Autosomal Dominant, Autosomal Recessive and X-Linked Classification Criteria (2023). Collection method: clinical testing. Allele origin: unknown.
Comment: This variant is considered benign. This variant is a silent/synonymous amino acid change and it is not expected to impact splicing.

Labcorp Genetics (formerly Invitae), Labcorp
Classification: Likely benign for Gastrointestinal stromal tumor. Last evaluated: 2024-08-05. Review status: criteria provided, single submitter. Criteria: Invitae Variant Classification Sherloc (09022015). Collection method: clinical testing. Allele origin: germline.

Ambry Genetics
Classification: Likely benign for Hereditary cancer-predisposing syndrome. Last evaluated: 2022-05-21. Review status: criteria provided, single submitter. Criteria: Ambry Variant Classification Scheme 2023. Collection method: clinical testing. Allele origin: germline.

NM_006206.6(PDGFRA):c.1299G>T (p.Val433=)

Gene: PDGFRA (platelet derived growth factor receptor alpha; plus strand). Cytogenetic location: 4q12.
Variant type: single nucleotide variant.
Coding change: c.1299G>T on transcript NM_006206.6 (MANE Select); coding-DNA position 1299, G replaced by T.
Protein change: p.Val433=; no amino-acid change (valine 433 retained).
Molecular consequence: synonymous variant.
Genome position (GRCh38, 1-based): chr4:54,272,455, G>T. VCF-style: chr4-54272455-G-T. GRCh37 (hg19) VCF-style: chr4-55138622-G-T.
Other names: c.1299G>T, p.Val433= (NM_001347827.2, NM_001347829.2); c.1374G>T, p.Val458= (NM_001347828.2); c.1338G>T, p.Val446= (NM_001347830.2).
Identifiers: ClinVar variation 414510 (VCV000414510.15), dbSNP rs1060504252, ClinGen allele CA16611558.